The following is an entry in ClinVar:

ClinVar aggregate classification (germline): Uncertain significance. Review status: criteria provided, multiple submitters, no conflicts (2 of 4 stars). 2 submissions from 2 submitters: Uncertain significance (2). Last evaluated 2024-01-29.

Allele frequency attached by ClinVar (database versions not stated): gnomAD exomes below 0.00001.
gnomAD v4.1: 2 of 1,573,904 alleles (0.00013%); highest among the groups gnomAD compares: Non-Finnish European, 0.00017%; no homozygotes.

Submissions (2):

Ambry Genetics
Classification: Uncertain significance. Last evaluated: 2024-01-29. Review status: criteria provided, single submitter. Criteria: Ambry Variant Classification Scheme 2023. Collection method: clinical testing. Allele origin: germline.
Comment: The p.D647G variant (also known as c.1940A>G), located in coding exon 20 of the RASA2 gene, results from an A to G substitution at nucleotide position 1940. The aspartic acid at codon 647 is replaced by glycine, an amino acid with similar properties. This amino acid position is conserved. In addition, the in silico prediction for this alteration is inconclusive. Based on the available evidence, the clinical significance of this alteration remains unclear.

Labcorp Genetics (formerly Invitae), Labcorp
Classification: Uncertain significance. Last evaluated: 2023-07-18. Review status: criteria provided, single submitter. Criteria: Invitae Variant Classification Sherloc (09022015). Collection method: clinical testing. Allele origin: germline.
Comment: Advanced modeling of protein sequence and biophysical properties (such as structural, functional, and spatial information, amino acid conservation, physicochemical variation, residue mobility, and thermodynamic stability) performed at Invitae indicates that this missense variant is not expected to disrupt RASA2 protein function. In summary, the available evidence is currently insufficient to determine the role of this variant in disease. Therefore, it has been classified as a Variant of Uncertain Significance. This sequence change replaces aspartic acid, which is acidic and polar, with glycine, which is neutral and non-polar, at codon 647 of the RASA2 protein (p.Asp647Gly). This variant is not present in population databases (gnomAD no frequency). This variant has not been reported in the literature in individuals affected with RASA2-related conditions.

NM_006506.5(RASA2):c.1940A>G (p.Asp647Gly)

Gene: RASA2 (RAS p21 protein activator 2; plus strand). Cytogenetic location: 3q23.
Variant type: single nucleotide variant.
Coding change: c.1940A>G on transcript NM_006506.5 (MANE Select); coding-DNA position 1940, A replaced by G.
Protein change: p.Asp647Gly; replaces aspartic acid 647 with glycine.
Molecular consequence: missense variant.
Genome position (GRCh38, 1-based): chr3:141,607,684, A>G. VCF-style: chr3-141607684-A-G. GRCh37 (hg19) VCF-style: chr3-141326526-A-G.
Other names: c.1943A>G, p.Asp648Gly (NM_001303245.3); c.1952A>G, p.Asp651Gly (NM_001303246.3); c.1940A>G (NM_006506.2); short protein forms D648G, D651G, D647G.
Identifiers: ClinVar variation 2986746 (VCV002986746.4), dbSNP rs2478868723, ClinGen allele CA354773345.